The following is an entry in ClinVar:

ClinVar aggregate classification (germline): Uncertain significance (1 of 4 stars; one submission).

Conditions:
Hearing impairment. Also called: Impaired Hearing. Identifiers: MedGen C1384666, MONDO:0005365, HP:0000365.

Submission:

Department of Otolaryngology – Head & Neck Surgery, Cochlear Implant Center
Classification: Uncertain significance for Hearing impairment. Last evaluated: 2021-04-12. Review status: criteria provided, single submitter. Criteria: ClinGen HL ACMG Specifications v1. Collection method: clinical testing. Allele origin: germline. Affected: yes.
Comment: PM2_Moderate

NM_001195263.2(PDZD7):c.2624G>C (p.Ser875Thr)

Gene: PDZD7 (PDZ domain containing 7; minus strand). Cytogenetic location: 10q24.31.
Variant type: single nucleotide variant.
Coding change: c.2624G>C on transcript NM_001195263.2 (MANE Select); coding-DNA position 2624, G replaced by C.
Protein change: p.Ser875Thr; replaces serine 875 with threonine.
Molecular consequence: missense variant.
Genome position (GRCh38, 1-based): chr10:101,009,344, C>G on the plus strand (G>C on the coding strand, the complement: PDZD7 is on the minus strand). VCF-style: chr10-101009344-C-G. GRCh37 (hg19) VCF-style: chr10-102769101-C-G.
Other names: short protein forms S875T.
Identifiers: ClinVar variation 1064965 (VCV001064965.3), dbSNP rs2133994567, ClinGen allele CA378223705.